The following is an entry in ClinVar:

NM_001277313.2(FMN1):c.2044-1933A>G

Gene: FMN1 (formin 1; minus strand). Cytogenetic location: 15q13.3.
Variant type: single nucleotide variant.
Coding change: c.2044-1933A>G on transcript NM_001277313.2 (MANE Select); 1933 bases into the intron before coding-DNA position 2044, A replaced by G.
Molecular consequence: intron variant. On other transcripts: missense variant (1).
Genome position (GRCh38, 1-based): chr15:33,067,007, T>C on the plus strand (A>G on the coding strand, the complement: FMN1 is on the minus strand). VCF-style: chr15-33067007-T-C. GRCh37 (hg19) VCF-style: chr15-33359208-T-C.
Other names: c.878A>G, p.Glu293Gly (NM_001103184.4); short protein forms E293G.
Identifiers: ClinVar variation 2722430 (VCV002722430.24), dbSNP rs201223839, ClinGen allele CA7457250.

ClinVar aggregate classification (germline): Benign/Likely benign. Review status: criteria provided, multiple submitters, no conflicts (2 of 4 stars). 2 submissions from 2 submitters: Benign (1); Likely benign (1). Last evaluated 2025-08-06.

Allele frequency attached by ClinVar (database versions not stated): 1000 Genomes Project 0.00020; 1000 Genomes Project 30x 0.00031; ESP Exome Variant Server 0.00049; gnomAD exomes 0.00085; gnomAD 0.00089; ExAC 0.00109; TOPMed 0.00131.
gnomAD v4.1: 1,464 of 1,613,948 alleles (0.091%); highest among the groups gnomAD compares: Middle Eastern, 0.74%; 8 homozygotes.

Submissions (2):

Labcorp Genetics (formerly Invitae), Labcorp
Classification: Benign. Last evaluated: 2025-08-06. Review status: criteria provided, single submitter. Criteria: Invitae Variant Classification Sherloc (09022015). Collection method: clinical testing. Allele origin: germline.

CeGaT Center for Human Genetics Tuebingen
Classification: Likely benign. Last evaluated: 2024-11-01. Review status: criteria provided, single submitter. Criteria: CeGaT Center For Human Genetics Tuebingen Variant Classification Criteria Version 2. Collection method: clinical testing. Allele origin: germline. Affected: yes. Observed: 2 variant alleles.
Comment: FMN1: BP4, BS1